The following is an entry in ClinVar:

ClinVar aggregate classification (germline): Uncertain significance. Review status: criteria provided, multiple submitters, no conflicts (2 of 4 stars). 2 submissions from 2 submitters: Uncertain significance (2). Last evaluated 2023-11-10.

Conditions:
Emery-Dreifuss muscular dystrophy 5, autosomal dominant (EDMD5). Also called: EMERY-DREIFUSS MUSCULAR DYSTROPHY 5. Identifiers: Orphanet 261, MedGen C2751805, MONDO:0013072, OMIM 612999.

Allele frequency attached by ClinVar (database versions not stated): gnomAD 0.00001; gnomAD exomes 0.00001; TOPMed 0.00003.
gnomAD v4.1: 9 of 1,613,398 alleles (0.00056%); highest among the groups gnomAD compares: Middle Eastern, 0.033%; no homozygotes.

Submissions (2):

Labcorp Genetics (formerly Invitae), Labcorp
Classification: Uncertain significance for Emery-Dreifuss muscular dystrophy 5, autosomal dominant. Last evaluated: 2023-11-10. Review status: criteria provided, single submitter. Criteria: Invitae Variant Classification Sherloc (09022015). Collection method: clinical testing. Allele origin: germline.
Comment: This sequence change replaces isoleucine, which is neutral and non-polar, with valine, which is neutral and non-polar, at codon 3483 of the SYNE2 protein (p.Ile3483Val). This variant is present in population databases (no rsID available, gnomAD 0.003%). This variant has not been reported in the literature in individuals affected with SYNE2-related conditions. ClinVar contains an entry for this variant (Variation ID: 2328058). An algorithm developed to predict the effect of missense changes on protein structure and function (PolyPhen-2) suggests that this variant is likely to be disruptive. In summary, the available evidence is currently insufficient to determine the role of this variant in disease. Therefore, it has been classified as a Variant of Uncertain Significance.

Ambry Genetics
Classification: Uncertain significance. Last evaluated: 2022-11-18. Review status: criteria provided, single submitter. Criteria: Ambry Variant Classification Scheme 2023. Collection method: clinical testing. Allele origin: germline.

NM_182914.3(SYNE2):c.10447A>G (p.Ile3483Val)

Gene: SYNE2 (spectrin repeat containing nuclear envelope protein 2; plus strand). Cytogenetic location: 14q23.2.
Variant type: single nucleotide variant.
Coding change: c.10447A>G on transcript NM_182914.3 (MANE Select); coding-DNA position 10447, A replaced by G.
Protein change: p.Ile3483Val; replaces isoleucine 3483 with valine.
Molecular consequence: missense variant.
Genome position (GRCh38, 1-based): chr14:64,070,660, A>G. VCF-style: chr14-64070660-A-G. GRCh37 (hg19) VCF-style: chr14-64537378-A-G.
Other names: c.10447A>G, p.Ile3483Val (NM_015180.6); short protein forms I3483V.
Identifiers: ClinVar variation 2328058 (VCV002328058.5), dbSNP rs1437245053, ClinGen allele CA389935890.